The following is an entry in ClinVar:

NM_173854.6(SLC41A1):c.1169G>A (p.Arg390His)

Gene: SLC41A1 (solute carrier family 41 member 1; minus strand). Cytogenetic location: 1q32.1.
Variant type: single nucleotide variant.
Coding change: c.1169G>A on transcript NM_173854.6 (MANE Select); coding-DNA position 1169, G replaced by A.
Protein change: p.Arg390His; replaces arginine 390 with histidine.
Molecular consequence: missense variant.
Genome position (GRCh38, 1-based): chr1:205,795,382, C>T on the plus strand (G>A on the coding strand, the complement: SLC41A1 is on the minus strand). VCF-style: chr1-205795382-C-T. GRCh37 (hg19) VCF-style: chr1-205764510-C-T.
Other names: short protein forms R390H.
Identifiers: ClinVar variation 4585768 (VCV004585768.2).
Genomic context (GRCh38, chr1:205,795,382, plus strand): 5'-GAGGCTGGGAATCTGCCGTTACCAGGGCTGAAGAAGGTGGTACAAGGACTGGGACAGCGG[C>T]GAGGAGCTTGCTCAGAGTTCTCTCCGGGCATTCCATTCATGTGCAGGAAGGTGGAGATGC-3'
Protein context (NP_776253.3, residues 380-400): MPGENSEQAP[Arg390His]RCPSPCTTFF

ClinVar aggregate classification (germline): Uncertain significance. Review status: criteria provided, multiple submitters, no conflicts (2 of 4 stars). 2 submissions from 2 submitters: Uncertain significance (2). Last evaluated 2025-09-24.

gnomAD v4.1: 12 of 1,614,172 alleles (0.00074%); highest among the groups gnomAD compares: South Asian, 0.0022%; no homozygotes.

Submissions (2):

Ambry Genetics
Classification: Uncertain significance. Last evaluated: 2025-09-24. Review status: criteria provided, single submitter. Criteria: Ambry Variant Classification Scheme 2023. Collection method: clinical testing. Allele origin: germline.

Labcorp Genetics (formerly Invitae), Labcorp
Classification: Uncertain significance. Last evaluated: 2025-05-23. Review status: criteria provided, single submitter. Criteria: Invitae Variant Classification Sherloc (09022015). Collection method: clinical testing. Allele origin: germline.
Comment: This sequence change replaces arginine, which is basic and polar, with histidine, which is basic and polar, at codon 390 of the SLC41A1 protein (p.Arg390His). This variant is present in population databases (rs760882426, gnomAD 0.007%). This variant has not been reported in the literature in individuals affected with SLC41A1-related conditions. An algorithm developed to predict the effect of missense changes on protein structure and function (PolyPhen-2) suggests that this variant is likely to be disruptive. In summary, the available evidence is currently insufficient to determine the role of this variant in disease. Therefore, it has been classified as a Variant of Uncertain Significance.